The following is an entry in ClinVar:

NM_022552.5(DNMT3A):c.1527del (p.Phe509fs)

Gene: DNMT3A (DNA methyltransferase 3 alpha; minus strand). Cytogenetic location: 2p23.3.
Variant type: Deletion.
Coding change: c.1527del on transcript NM_022552.5 (MANE Select); coding-DNA position 1527, one base deleted (C; older notation c.1527delC).
Protein change: p.Phe509fs; shifts the reading frame from phenylalanine 509.
Molecular consequence: frameshift variant. On other transcripts: non-coding transcript variant (1).
Genome position (GRCh38, 1-based): chr2:25,245,280, G deleted on the plus strand (C on the coding strand, the reverse complement: DNMT3A is on the minus strand). VCF-style (leftmost placement, unchanged base first): chr2-25245279-CG-C. GRCh37 (hg19) VCF-style: chr2-25468148-CG-C.
Other names: c.1071del, p.Phe357fs (NM_001320893.1); c.858del, p.Phe286fs (NM_001375819.1); c.960del, p.Phe320fs (NM_153759.3); c.1527del, p.Phe509fs (NM_175629.2); short protein forms F320fs, F286fs, F357fs, F509fs.
Identifiers: ClinVar variation 4764542 (VCV004764542.1).

ClinVar aggregate classification (germline): Pathogenic (1 of 4 stars; one submission).

Conditions:
Tatton-Brown-Rahman overgrowth syndrome. Also called: Tatton-Brown-Rahman syndrome; Tall stature-intellectual disability-facial dysmorphism syndrome. Identifiers: Orphanet 404443, MedGen C4014545, MONDO:0014382, OMIM 615879.

Submission:

Labcorp Genetics (formerly Invitae), Labcorp
Classification: Pathogenic for Tatton-Brown-Rahman overgrowth syndrome. Last evaluated: 2025-08-08. Review status: criteria provided, single submitter. Criteria: Invitae Variant Classification Sherloc (09022015). Collection method: clinical testing. Allele origin: germline.
Comment: This sequence change creates a premature translational stop signal (p.Phe509Leufs*142) in the DNMT3A gene. It is expected to result in an absent or disrupted protein product. Loss-of-function variants in DNMT3A are known to be pathogenic (PMID: 24614070). This variant is not present in population databases (gnomAD no frequency). This variant has not been reported in the literature in individuals affected with DNMT3A-related conditions. For these reasons, this variant has been classified as Pathogenic.

Literature cited by the submitters: PubMed 24614070.